The following is an entry in ClinVar:

ClinVar aggregate classification (germline): Uncertain significance (1 of 4 stars; one submission).

Submission:

Labcorp Genetics (formerly Invitae), Labcorp
Classification: Uncertain significance. Last evaluated: 2025-12-24. Review status: criteria provided, single submitter. Criteria: Invitae Variant Classification Sherloc (09022015). Collection method: clinical testing. Allele origin: germline.
Comment: This sequence change replaces alanine, which is neutral and non-polar, with threonine, which is neutral and polar, at codon 342 of the NDUFA9 protein (p.Ala342Thr). This variant is not present in population databases (gnomAD no frequency). This variant has not been reported in the literature in individuals affected with NDUFA9-related conditions. An algorithm developed to predict the effect of missense changes on protein structure and function (PolyPhen-2) suggests that this variant is likely to be tolerated. In summary, the available evidence is currently insufficient to determine the role of this variant in disease. Therefore, it has been classified as a Variant of Uncertain Significance.

NM_005002.5(NDUFA9):c.1024G>A (p.Ala342Thr)

Gene: NDUFA9 (NADH:ubiquinone oxidoreductase subunit A9; plus strand). Cytogenetic location: 12p13.32.
Variant type: single nucleotide variant.
Coding change: c.1024G>A on transcript NM_005002.5 (MANE Select); coding-DNA position 1024, G replaced by A.
Protein change: p.Ala342Thr; replaces alanine 342 with threonine.
Molecular consequence: missense variant.
Genome position (GRCh38, 1-based): chr12:4,686,998, G>A. VCF-style: chr12-4686998-G-A. GRCh37 (hg19) VCF-style: chr12-4796164-G-A.
Other names: short protein forms A342T.
Identifiers: ClinVar variation 4772122 (VCV004772122.1).
Genomic context (GRCh38, chr12:4,686,998, plus strand): 5'-ATGCACATCACAGACATGAAATTGCCTCACCTGCCTGGCTTAGAAGACCTTGGTATTCAG[G>A]CAACACCACTGGAACTCAAGGCCATTGAGGTGCTGCGGCGTCATCGCACTTACCGCTGGC-3'
Protein context (NP_004993.1, residues 332-352): LPGLEDLGIQ[Ala342Thr]TPLELKAIEV